The following is an entry in ClinVar:

NM_020778.5(ALPK3):c.2041C>A (p.Gln681Lys)

Gene: ALPK3 (alpha kinase 3; plus strand). Cytogenetic location: 15q25.3.
Variant type: single nucleotide variant.
Coding change: c.2041C>A on transcript NM_020778.5 (MANE Select); coding-DNA position 2041, C replaced by A.
Protein change: p.Gln681Lys; replaces glutamine 681 with lysine.
Molecular consequence: missense variant.
Genome position (GRCh38, 1-based): chr15:84,856,779, C>A. VCF-style: chr15-84856779-C-A. GRCh37 (hg19) VCF-style: chr15-85400010-C-A.
Other names: short protein forms Q681K.
Identifiers: ClinVar variation 3616445 (VCV003616445.2).

ClinVar aggregate classification (germline): Uncertain significance (1 of 4 stars; one submission).

gnomAD v4.1: 2 of 1,613,974 alleles (0.00012%); highest among the groups gnomAD compares: Non-Finnish European, 0.000085%; no homozygotes.

Submission:

Labcorp Genetics (formerly Invitae), Labcorp
Classification: Uncertain significance. Last evaluated: 2024-09-08. Review status: criteria provided, single submitter. Criteria: Invitae Variant Classification Sherloc (09022015). Collection method: clinical testing. Allele origin: germline.
Comment: This sequence change replaces glutamine, which is neutral and polar, with lysine, which is basic and polar, at codon 883 of the ALPK3 protein (p.Gln883Lys). This variant is not present in population databases (gnomAD no frequency). This variant has not been reported in the literature in individuals affected with ALPK3-related conditions. Invitae Evidence Modeling of protein sequence and biophysical properties (such as structural, functional, and spatial information, amino acid conservation, physicochemical variation, residue mobility, and thermodynamic stability) indicates that this missense variant is not expected to disrupt ALPK3 protein function with a negative predictive value of 80%. In summary, the available evidence is currently insufficient to determine the role of this variant in disease. Therefore, it has been classified as a Variant of Uncertain Significance.